The following is an entry in ClinVar:

NM_000094.4(COL7A1):c.2633G>A (p.Arg878His)

Gene: COL7A1 (collagen type VII alpha 1 chain; minus strand). Cytogenetic location: 3p21.31.
Variant type: single nucleotide variant.
Coding change: c.2633G>A on transcript NM_000094.4 (MANE Select); coding-DNA position 2633, G replaced by A.
Protein change: p.Arg878His; replaces arginine 878 with histidine.
Molecular consequence: missense variant.
Genome position (GRCh38, 1-based): chr3:48,588,359, C>T on the plus strand (G>A on the coding strand, the complement: COL7A1 is on the minus strand). VCF-style: chr3-48588359-C-T. GRCh37 (hg19) VCF-style: chr3-48625792-C-T.
Other names: c.2633G>A (NM_000094.3); short protein forms R878H.
Identifiers: ClinVar variation 1433421 (VCV001433421.8), dbSNP rs775718981, ClinGen allele CA2380810.
Genomic context (GRCh38, chr3:48,588,359, plus strand): 5'-AGAAGGAAGCCCTGCGCTCTGGGCACCGGCTCCCAGCGCAGCCTCAGCGAGTGCTCCCCG[C>T]GCTGCACCACGTGAAGCGTCCCCAGGGCTGGCGGAGCCTCAGGCGCTGGAGAGAAAGCTC-3'
Protein context (NP_000085.1, residues 868-888): PALGTLHVVQ[Arg878His]GEHSLRLRWE

ClinVar aggregate classification (germline): Uncertain significance. Review status: criteria provided, multiple submitters, no conflicts (2 of 4 stars). 2 submissions from 2 submitters: Uncertain significance (2). Last evaluated 2024-06-26.

Conditions:
Inborn genetic diseases. Identifiers: MedGen C0950123, MeSH D030342.

Allele frequency attached by ClinVar (database versions not stated): ExAC 0.00001; gnomAD exomes 0.00001.
gnomAD v4.1: 15 of 1,612,302 alleles (0.00093%); highest among the groups gnomAD compares: Admixed American, 0.0067%; no homozygotes.

Submissions (2):

Labcorp Genetics (formerly Invitae), Labcorp
Classification: Uncertain significance. Last evaluated: 2024-06-26. Review status: criteria provided, single submitter. Criteria: Invitae Variant Classification Sherloc (09022015). Collection method: clinical testing. Allele origin: germline.
Comment: This sequence change replaces arginine, which is basic and polar, with histidine, which is basic and polar, at codon 878 of the COL7A1 protein (p.Arg878His). This variant is present in population databases (rs775718981, gnomAD 0.006%). This variant has not been reported in the literature in individuals affected with COL7A1-related conditions. ClinVar contains an entry for this variant (Variation ID: 1433421). Advanced modeling of protein sequence and biophysical properties (such as structural, functional, and spatial information, amino acid conservation, physicochemical variation, residue mobility, and thermodynamic stability) performed at Invitae indicates that this missense variant is not expected to disrupt COL7A1 protein function with a negative predictive value of 95%. In summary, the available evidence is currently insufficient to determine the role of this variant in disease. Therefore, it has been classified as a Variant of Uncertain Significance.

Ambry Genetics
Classification: Uncertain significance for Inborn genetic diseases. Last evaluated: 2021-06-11. Review status: criteria provided, single submitter. Criteria: Ambry Variant Classification Scheme 2023. Collection method: clinical testing. Allele origin: germline.